The following is an entry in ClinVar:

NM_174936.4(PCSK9):c.1671C>T (p.His557=)

Gene: PCSK9 (proprotein convertase subtilisin/kexin type 9; plus strand). Cytogenetic location: 1p32.3.
Variant type: single nucleotide variant.
Coding change: c.1671C>T on transcript NM_174936.4 (MANE Select); coding-DNA position 1671, C replaced by T.
Protein change: p.His557=; no amino-acid change (histidine 557 retained).
Molecular consequence: synonymous variant. On other transcripts: non-coding transcript variant (7), intron variant (1).
Genome position (GRCh38, 1-based): chr1:55,059,653, C>T. VCF-style: chr1-55059653-C-T. GRCh37 (hg19) VCF-style: chr1-55525326-C-T.
Other names: c.1794C>T, p.His598= (NM_001407240.1); c.1713C>T, p.His571= (NM_001407241.1); c.1674C>T, p.His558= (NM_001407242.1); c.1614C>T, p.His538= (NM_001407243.1); c.1497C>T, p.His499= (NM_001407244.1); c.1479C>T, p.His493= (NM_001407245.1); c.1296C>T, p.His432= (NM_001407246.1); c.1181-1722C>T (NM_001407247.1).
Identifiers: ClinVar variation 548103 (VCV000548103.16), dbSNP rs72646521, ClinGen allele CA22765661.

ClinVar aggregate classification (germline): Likely benign. Review status: criteria provided, multiple submitters, no conflicts (2 of 4 stars). 6 submissions from 6 submitters: Likely benign (6). Last evaluated 2024-11-22.

Conditions:
Cardiovascular phenotype. Identifiers: MedGen CN230736.
Hypercholesterolemia, autosomal dominant, 3 (FHCL3). Also called: Familial Hypercholesterolemia, Autosomal Dominant, 3; PCSK9-Related Familial Hypercholesterolemia, Autosomal Dominant; Familial hypercholesterolemia 3. Identifiers: MedGen C1863551, MONDO:0011369, OMIM 603776.
Familial hypercholesterolemia. Also called: Familial hypercholesterolemias; Familial hypercholesterolaemia. Identifiers: MedGen C0020445, MONDO:0005439.
Hypercholesterolemia, familial, 1. Also called: HYPERCHOLESTEROLEMIA, FAMILIAL, MODIFIER OF; LDL RECEPTOR DISORDER; Hyperlipoproteinemia Type IIa; HYPER-LOW-DENSITY-LIPOPROTEINEMIA; HYPERCHOLESTEROLEMIC XANTHOMATOSIS, FAMILIAL; Fredrickson type IIa hyperlipoproteinemia. Identifiers: Orphanet 391665, MedGen C0745103, MONDO:0007750, OMIM 143890.

Allele frequency attached by ClinVar (database versions not stated): gnomAD exomes 0.00001; gnomAD 0.00002; TOPMed 0.00002.

Submissions (6):

GENinCode PLC
Classification: Likely benign for Familial hypercholesterolemia. Last evaluated: 2024-11-22. Review status: criteria provided, single submitter. Criteria: ACMG Guidelines, 2015. Collection method: clinical testing. Allele origin: germline.
Comment: This is a synonymous (silent) variant that is not predicted by SpliceAI to impact splicing. In addition, it occurs at a nucleotide that is not conserved. Therefore this variant has been classified as Likely Benign (BP4, BP7).

All of Us Research Program, National Institutes of Health
Classification: Likely benign for Hypercholesterolemia, autosomal dominant, 3. Last evaluated: 2023-12-13. Review status: criteria provided, single submitter. Criteria: ACMG Guidelines, 2015. Collection method: clinical testing. Allele origin: germline. Inheritance: Autosomal dominant inheritance. Observed: 5 variant alleles, 5 heterozygotes.
Comment: This study involves interpretation of variants in research participants for the purpose of population health screening. Participant phenotype was not available at the time of variant classification. Additional details can be found in publication PMID: 35346344, PMCID: PMC8962531

Ambry Genetics
Classification: Likely benign for Cardiovascular phenotype. Last evaluated: 2023-06-22. Review status: criteria provided, single submitter. Criteria: Ambry Variant Classification Scheme 2023. Collection method: clinical testing. Allele origin: germline.

Labcorp Genetics (formerly Invitae), Labcorp
Classification: Likely benign for Hypercholesterolemia, autosomal dominant, 3. Last evaluated: 2021-09-15. Review status: criteria provided, single submitter. Criteria: Invitae Variant Classification Sherloc (09022015). Collection method: clinical testing. Allele origin: germline.

Robarts Research Institute, Western University
Classification: Likely benign for Hypercholesterolemia, familial, 1. Last evaluated: 2018-01-02. Review status: criteria provided, single submitter. Criteria: ACMG Guidelines, 2015. Collection method: clinical testing. Allele origin: germline. Inheritance: Autosomal dominant inheritance. Affected: yes.

Color Diagnostics, LLC DBA Color Health
Classification: Likely benign for Familial hypercholesterolemia. Last evaluated: 2017-10-23. Review status: criteria provided, single submitter. Criteria: ACMG Guidelines, 2015. Collection method: clinical testing. Allele origin: germline.